The following is an entry in ClinVar:

ClinVar aggregate classification (germline): Likely pathogenic (1 of 4 stars; one submission).

Conditions:
Actin accumulation myopathy (CMYO2A). Also called: CONGENITAL MYOPATHY 2A, TYPICAL, AUTOSOMAL DOMINANT; Myopathy, actin, congenital, with cores; Nemaline myopathy 3, with intranuclear rods; Nemaline myopathy type 3; Myopathy, actin, congenital, with excess of thin myofilaments. Identifiers: Orphanet 98904, MedGen C3711389, MONDO:0008070, OMIM 161800.

Submission:

Labcorp Genetics (formerly Invitae), Labcorp
Classification: Likely pathogenic for Actin accumulation myopathy. Last evaluated: 2022-06-09. Review status: criteria provided, single submitter. Criteria: Invitae Variant Classification Sherloc (09022015). Collection method: clinical testing. Allele origin: germline.
Comment: This variant disrupts the p.Ile66 amino acid residue in ACTA1. Other variant(s) that disrupt this residue have been determined to be pathogenic (PMID: 12921789, 15226407, 15236405). This suggests that this residue is clinically significant, and that variants that disrupt this residue are likely to be disease-causing. In summary, the currently available evidence indicates that the variant is pathogenic, but additional data are needed to prove that conclusively. Therefore, this variant has been classified as Likely Pathogenic. Advanced modeling of protein sequence and biophysical properties (such as structural, functional, and spatial information, amino acid conservation, physicochemical variation, residue mobility, and thermodynamic stability) performed at Invitae indicates that this missense variant is expected to disrupt ACTA1 protein function. ClinVar contains an entry for this variant (Variation ID: 947145). This missense change has been observed in individual(s) with ACTA1-related conditions (PMID: 19562689). This variant is not present in population databases (gnomAD no frequency). This sequence change replaces isoleucine, which is neutral and non-polar, with serine, which is neutral and polar, at codon 66 of the ACTA1 protein (p.Ile66Ser).

Literature cited by the submitters: PubMed 12921789; PubMed 15226407; PubMed 15236405; PubMed 19562689.

NM_001100.4(ACTA1):c.197T>G (p.Ile66Ser)

Gene: ACTA1 (actin alpha 1, skeletal muscle; minus strand). Cytogenetic location: 1q42.13.
Variant type: single nucleotide variant.
Coding change: c.197T>G on transcript NM_001100.4 (MANE Select); coding-DNA position 197, T replaced by G.
Protein change: p.Ile66Ser; replaces isoleucine 66 with serine.
Molecular consequence: missense variant.
Genome position (GRCh38, 1-based): chr1:229,432,813, A>C on the plus strand (T>G on the coding strand, the complement: ACTA1 is on the minus strand). VCF-style: chr1-229432813-A-C. GRCh37 (hg19) VCF-style: chr1-229568560-A-C.
Other names: short protein forms I66S.
Identifiers: ClinVar variation 947145 (VCV000947145.10), dbSNP rs1553255502, ClinGen allele CA345150724.